The following is an entry in ClinVar:

NM_001387777.1(TNS1):c.1368C>T (p.Asp456=)

Gene: TNS1 (tensin 1; minus strand). Cytogenetic location: 2q35.
Variant type: single nucleotide variant.
Coding change: c.1368C>T on transcript NM_001387777.1 (MANE Select); coding-DNA position 1368, C replaced by T.
Protein change: p.Asp456=; no amino-acid change (aspartic acid 456 retained).
Molecular consequence: synonymous variant.
Genome position (GRCh38, 1-based): chr2:217,880,959, G>A on the plus strand (C>T on the coding strand, the complement: TNS1 is on the minus strand). VCF-style: chr2-217880959-G-A. GRCh37 (hg19) VCF-style: chr2-218745682-G-A.
Other names: c.993C>T, p.Asp331= (NM_001308022.2, NM_001308023.2, NM_022648.7).
Identifiers: ClinVar variation 783126 (VCV000783126.6), dbSNP rs61745427, ClinGen allele CA2100537.
Genomic context (GRCh38, chr2:217,880,959, plus strand): 5'-CTCCATGCCGTCATCTCGATGCCCACTGAAGTTGTCGTAGGAGTCCCAGCGGATGAGGGG[G>A]TCGGAGGTGTTATAGTCCACAGACACGCTCGGCCCGTTCTCCAGGTGCTCCATGCCTAAG-3'
Protein context (NP_001374706.1, residues 446-466): PSVSVDYNTS[Asp456=]PLIRWDSYDN

ClinVar aggregate classification (germline): Benign. Review status: criteria provided, multiple submitters, no conflicts (2 of 4 stars). 3 submissions from 3 submitters: Benign (2). 1 of the submissions does not count toward it. Last evaluated 2018-03-05.

Conditions:
TNS1-related disorder. Also called: TNS1-related condition.

Allele frequency attached by ClinVar (database versions not stated): gnomAD 0.01099 and 0.01016; 1000 Genomes Project 0.00998; 1000 Genomes Project 30x 0.00953; ESP Exome Variant Server 0.01107; TOPMed 0.01129; gnomAD exomes 0.00246; ExAC 0.00293.
gnomAD v4.1: 2,838 of 1,614,084 alleles (0.18%); highest among the groups gnomAD compares: African/African-American, 3.4%; 40 homozygotes.

Submissions (3):

Labcorp Genetics (formerly Invitae), Labcorp
Classification: Benign. Last evaluated: 2018-03-05. Review status: criteria provided, single submitter. Criteria: Invitae Variant Classification Sherloc (09022015). Collection method: clinical testing. Allele origin: germline.

Breakthrough Genomics
Classification: Benign. Review status: criteria provided, single submitter. Criteria: ACMG Guidelines, 2015. Collection method: not provided. Allele origin: germline. Inheritance: Unknown mechanism. Affected: yes.

PreventionGenetics, part of Exact Sciences
Classification: Benign for TNS1-related condition. Last evaluated: 2019-03-25. Review status: no assertion criteria provided. Collection method: clinical testing. Allele origin: germline. Not counted in ClinVar's aggregate classification.
Comment: This variant is classified as benign based on ACMG/AMP sequence variant interpretation guidelines (Richards et al. 2015 PMID: 25741868, with internal and published modifications).